The following is an entry in ClinVar:

ClinVar aggregate classification (germline): Uncertain significance. Review status: criteria provided, multiple submitters, no conflicts (2 of 4 stars). 3 submissions from 3 submitters: Uncertain significance (3). Last evaluated 2026-09-23.

Conditions:
EFEMP2-related disorder. Also called: EFEMP2-related condition.
Cardiovascular phenotype. Identifiers: MedGen CN230736.
Cutis laxa, autosomal recessive, type 1B (ARCL1B). Also called: EFEMP2-Related Cutis Laxa; CUTIS LAXA, AUTOSOMAL RECESSIVE, TYPE IB. Identifiers: Orphanet 90349, MedGen C3280798, MONDO:0013754, OMIM 614437. Disease mechanism: loss of function.

Allele frequency attached by ClinVar (database versions not stated): gnomAD exomes below 0.00001; gnomAD 0.00001; ESP Exome Variant Server 0.00008.
gnomAD v4.1: 2 of 1,613,958 alleles (0.00012%); highest among the groups gnomAD compares: Non-Finnish European, 0.00017%; no homozygotes.

Submissions (3):

PreventionGenetics, part of Exact Sciences
Classification: Uncertain significance for EFEMP2-related condition. Last evaluated: 2026-09-23. Review status: criteria provided, single submitter. Criteria: ACMG Guidelines, 2015. Collection method: clinical testing. Allele origin: germline.
Comment: The EFEMP2 c.253G>A variant is predicted to result in the amino acid substitution p.Ala85Thr. To our knowledge, this variant has not been reported in the literature. This variant is reported in 0.00088% of alleles in individuals of European (Non-Finnish) descent in gnomAD. At this time, the clinical significance of this variant is uncertain due to the absence of conclusive functional and genetic evidence.

Ambry Genetics
Classification: Uncertain significance for Cardiovascular phenotype. Last evaluated: 2020-06-04. Review status: criteria provided, single submitter. Criteria: Ambry Variant Classification Scheme 2023. Collection method: clinical testing. Allele origin: germline.
Comment: The p.A85T variant (also known as c.253G>A), located in coding exon 3 of the EFEMP2 gene, results from a G to A substitution at nucleotide position 253. The alanine at codon 85 is replaced by threonine, an amino acid with similar properties. This amino acid position is highly conserved in available vertebrate species. In addition, the in silico prediction for this alteration is inconclusive. Since supporting evidence is limited at this time, the clinical significance of this alteration remains unclear.

Labcorp Genetics (formerly Invitae), Labcorp
Classification: Uncertain significance for Cutis laxa, autosomal recessive, type 1B. Last evaluated: 2017-03-14. Review status: criteria provided, single submitter. Criteria: Invitae Variant Classification Sherloc (09022015). Collection method: clinical testing. Allele origin: germline.
Comment: In summary, this variant is a novel missense change with uncertain impact on protein function. It has been classified as a Variant of Uncertain Significance. Algorithms developed to predict the effect of missense changes on protein structure and function do not agree on the potential impact of this missense change (SIFT: "Deleterious"; PolyPhen-2: "Probably Damaging"; Align-GVGD: "Class C0"). This variant is not present in population databases (ExAC no frequency) and has not been reported in the literature in individuals with a EFEMP2-related disease. This sequence change replaces alanine with threonine at codon 85 of the EFEMP2 protein (p.Ala85Thr). The alanine residue is highly conserved and there is a small physicochemical difference between alanine and threonine.

NM_016938.5(EFEMP2):c.253G>A (p.Ala85Thr)

Gene: EFEMP2 (EGF-like fibulin extracellular matrix protein 2; minus strand). Cytogenetic location: 11q13.1.
Variant type: single nucleotide variant.
Coding change: c.253G>A on transcript NM_016938.5 (MANE Select); coding-DNA position 253, G replaced by A.
Protein change: p.Ala85Thr; replaces alanine 85 with threonine.
Molecular consequence: missense variant. On other transcripts: non-coding transcript variant (1).
Genome position (GRCh38, 1-based): chr11:65,871,271, C>T on the plus strand (G>A on the coding strand, the complement: EFEMP2 is on the minus strand). VCF-style: chr11-65871271-C-T. GRCh37 (hg19) VCF-style: chr11-65638742-C-T.
Other names: short protein forms A85T.
Identifiers: ClinVar variation 472816 (VCV000472816.11), dbSNP rs148604051, ClinGen allele CA223978520.